The following is an entry in ClinVar:

ClinVar aggregate classification (germline): Uncertain significance. Review status: criteria provided, multiple submitters, no conflicts (2 of 4 stars). 3 submissions from 3 submitters: Uncertain significance (3). Last evaluated 2025-12-01.

Conditions:
Hereditary cancer-predisposing syndrome. Also called: Hereditary neoplastic syndrome; Neoplastic Syndromes, Hereditary; Tumor predisposition; Hereditary Cancer Syndrome. Identifiers: Orphanet 140162, MedGen C0027672, MeSH D009386, MONDO:0015356.
Rhabdoid tumor predisposition syndrome 2 (RTPS2). Identifiers: Orphanet 231108, Orphanet 69077, MedGen C2750074, MONDO:0013224, OMIM 613325.

Allele frequency attached by ClinVar (database versions not stated): gnomAD exomes below 0.00001 and 0.00001.
gnomAD v4.1: 1 of 1,551,058 alleles (0.000064%); highest among the groups gnomAD compares: Admixed American, 0.002%; no homozygotes.

Submissions (3):

Labcorp Genetics (formerly Invitae), Labcorp
Classification: Uncertain significance for Rhabdoid tumor predisposition syndrome 2. Last evaluated: 2025-12-01. Review status: criteria provided, single submitter. Criteria: Invitae Variant Classification Sherloc (09022015). Collection method: clinical testing. Allele origin: germline.
Comment: This sequence change replaces glutamic acid, which is acidic and polar, with glycine, which is neutral and non-polar, at codon 1665 of the SMARCA4 protein (p.Glu1665Gly). This variant is present in population databases (no rsID available, gnomAD 0.004%). This variant has not been reported in the literature in individuals affected with SMARCA4-related conditions. ClinVar contains an entry for this variant (Variation ID: 1035280). Invitae Evidence Modeling of protein sequence and biophysical properties (such as structural, functional, and spatial information, amino acid conservation, physicochemical variation, residue mobility, and thermodynamic stability) has been performed for this missense variant. However, the output from this modeling did not meet the statistical confidence thresholds required to predict the impact of this variant on SMARCA4 protein function. RNA analysis performed to evaluate the impact of this missense change on mRNA splicing indicates it does not significantly alter splicing (internal data). In summary, the available evidence is currently insufficient to determine the role of this variant in disease. Therefore, it has been classified as a Variant of Uncertain Significance.

Ambry Genetics
Classification: Uncertain significance for Hereditary cancer-predisposing syndrome. Last evaluated: 2024-05-20. Review status: criteria provided, single submitter. Criteria: Ambry Variant Classification Scheme 2023. Collection method: clinical testing. Allele origin: germline.
Comment: The p.E1665G variant (also known as c.4994A>G), located in coding exon 34 of the SMARCA4 gene, results from an A to G substitution at nucleotide position 4994. The glutamic acid at codon 1665 is replaced by glycine, an amino acid with similar properties. This amino acid position is well conserved in available vertebrate species. In addition, the in silico prediction for this alteration is inconclusive. Based on the available evidence, the clinical significance of this variant remains unclear.

GeneDx
Classification: Uncertain significance. Last evaluated: 2022-07-15. Review status: criteria provided, single submitter. Criteria: GeneDx Variant Classification Process June 2021. Collection method: clinical testing. Allele origin: germline. Affected: yes.
Comment: Also known as c.4898A>G, p.(E1633G) (NM_001128844.1); In silico analysis supports that this missense variant does not alter protein structure/function; In silico analysis suggests this variant may impact gene splicing. In the absence of RNA/functional studies, the actual effect of this sequence change is unknown.; Has not been previously published as pathogenic or benign to our knowledge

NM_003072.5(SMARCA4):c.4898A>G (p.Glu1633Gly)

Gene: SMARCA4 (SWI/SNF related BAF chromatin remodeling complex subunit ATPase 4; plus strand). Cytogenetic location: 19p13.2.
Variant type: single nucleotide variant.
Coding change: c.4898A>G on transcript NM_003072.5 (MANE Select); coding-DNA position 4898, A replaced by G.
Protein change: p.Glu1633Gly; replaces glutamic acid 1633 with glycine.
Molecular consequence: missense variant. On other transcripts: non-coding transcript variant (1).
Genome position (GRCh38, 1-based): chr19:11,060,174, A>G. VCF-style: chr19-11060174-A-G. GRCh37 (hg19) VCF-style: chr19-11170850-A-G.
Other names: c.4994A>G, p.Glu1665Gly (NM_001387283.1, NM_001128849.3); c.4898A>G, p.Glu1633Gly (NM_001128844.3); c.4808A>G, p.Glu1603Gly (NM_001128845.2); c.4805A>G, p.Glu1602Gly (NM_001128846.2); c.4799A>G, p.Glu1600Gly (NM_001128847.4, NM_001374457.1); c.4796A>G, p.Glu1599Gly (NM_001128848.2); short protein forms E1599G, E1600G, E1603G, E1602G, E1633G, E1665G.
Identifiers: ClinVar variation 1035280 (VCV001035280.13), dbSNP rs1437896707, ClinGen allele CA404080970.